The following is an entry in ClinVar:

NM_000260.4(MYO7A):c.4808A>G (p.Lys1603Arg)

Gene: MYO7A (myosin VIIA; plus strand). Cytogenetic location: 11q13.5.
Variant type: single nucleotide variant.
Coding change: c.4808A>G on transcript NM_000260.4 (MANE Select); coding-DNA position 4808, A replaced by G.
Protein change: p.Lys1603Arg; replaces lysine 1603 with arginine.
Molecular consequence: missense variant.
Genome position (GRCh38, 1-based): chr11:77,199,774, A>G. VCF-style: chr11-77199774-A-G. GRCh37 (hg19) VCF-style: chr11-76910819-A-G.
Other names: c.4694A>G, p.Lys1565Arg (NM_001127180.2); c.4661A>G, p.Lys1554Arg (NM_001369365.1); short protein forms K1603R, K1554R, K1565R.
Identifiers: ClinVar variation 1402811 (VCV001402811.5), dbSNP rs781087274, ClinGen allele CA6198546.

ClinVar aggregate classification (germline): Uncertain significance (1 of 4 stars; one submission).

Allele frequency attached by ClinVar (database versions not stated): gnomAD exomes below 0.00001; ExAC 0.00001; gnomAD 0.00001; TOPMed 0.00001.
gnomAD v4.1: 4 of 1,610,514 alleles (0.00025%); highest among the groups gnomAD compares: Non-Finnish European, 0.00034%; no homozygotes.

Submission:

Labcorp Genetics (formerly Invitae), Labcorp
Classification: Uncertain significance. Last evaluated: 2022-01-15. Review status: criteria provided, single submitter. Criteria: Invitae Variant Classification Sherloc (09022015). Collection method: clinical testing. Allele origin: germline.
Comment: This sequence change replaces lysine, which is basic and polar, with arginine, which is basic and polar, at codon 1603 of the MYO7A protein (p.Lys1603Arg). This variant is present in population databases (rs781087274, gnomAD 0.0009%). This variant has not been reported in the literature in individuals affected with MYO7A-related conditions. Advanced modeling of protein sequence and biophysical properties (such as structural, functional, and spatial information, amino acid conservation, physicochemical variation, residue mobility, and thermodynamic stability) performed at Invitae indicates that this missense variant is not expected to disrupt MYO7A protein function. In summary, the available evidence is currently insufficient to determine the role of this variant in disease. Therefore, it has been classified as a Variant of Uncertain Significance.